The following is an entry in ClinVar:

ClinVar aggregate classification (germline): Conflicting classifications of pathogenicity. Review status: criteria provided, conflicting classifications (1 of 4 stars). 2 submissions from 2 submitters: Uncertain significance (1); Likely benign (1). Last evaluated 2025-07-01.

Allele frequency attached by ClinVar (database versions not stated): 1000 Genomes Project 0.00020; 1000 Genomes Project 30x 0.00047; TOPMed 0.00125; gnomAD 0.00136 and 0.00142; gnomAD exomes 0.00149.
gnomAD v4.1: 805 of 559,358 alleles (0.14%); highest among the groups gnomAD compares: Non-Finnish European, 0.23%; 1 homozygote.

Submissions (2):

CeGaT Center for Human Genetics Tuebingen
Classification: Likely benign. Last evaluated: 2025-07-01. Review status: criteria provided, single submitter. Criteria: CeGaT Center For Human Genetics Tuebingen Variant Classification Criteria Version 2. Collection method: clinical testing. Allele origin: germline. Affected: yes. Observed: 5 variant alleles.
Comment: OTX2: BS1

Breakthrough Genomics
Classification: Uncertain significance. Review status: criteria provided, single submitter. Criteria: ACMG Guidelines, 2015. Collection method: not provided. Allele origin: germline. Inheritance: Autosomal dominant inheritance. Affected: yes.

NM_021728.4(OTX2):c.-119-101C>T

Gene: OTX2 (orthodenticle homeobox 2; minus strand). Cytogenetic location: 14q22.3.
Variant type: single nucleotide variant.
Coding change: c.-119-101C>T on transcript NM_021728.4 (MANE Select); 101 bases into the intron before 119 bases upstream of the start codon, C replaced by T.
Molecular consequence: intron variant.
Genome position (GRCh38, 1-based): chr14:56,805,676, G>A on the plus strand (C>T on the coding strand, the complement: OTX2 is on the minus strand). VCF-style: chr14-56805676-G-A. GRCh37 (hg19) VCF-style: chr14-57272394-G-A.
Other names: c.-119-101C>T (NM_001270523.2, NM_001270524.2).
Identifiers: ClinVar variation 369074 (VCV000369074.33), dbSNP rs534764707, ClinGen allele CA10654510.